The following is an entry in ClinVar:

NM_173689.7(CRB2):c.2498G>T (p.Cys833Phe)

Gene: CRB2 (crumbs cell polarity complex component 2; plus strand). Cytogenetic location: 9q33.3.
Variant type: single nucleotide variant.
Coding change: c.2498G>T on transcript NM_173689.7 (MANE Select); coding-DNA position 2498, G replaced by T.
Protein change: p.Cys833Phe; replaces cysteine 833 with phenylalanine.
Molecular consequence: missense variant. On other transcripts: non-coding transcript variant (1).
Genome position (GRCh38, 1-based): chr9:123,372,238, G>T. VCF-style: chr9-123372238-G-T. GRCh37 (hg19) VCF-style: chr9-126134517-G-T.
Other names: c.2498G>T (NM_173689.5); short protein forms C833F.
Identifiers: ClinVar variation 1389438 (VCV001389438.9), dbSNP rs1337737029, ClinGen allele CA374866628.
Genomic context (GRCh38, chr9:123,372,238, plus strand): 5'-CTGACCCCTGTTTCAATGGTGGGACTTGCCTCGTCACCTGGAATGACTTCCACTGTACCT[G>T]CCCTGCCAATTTCACGGGGCCTACGTGTGCCCAGCAGCTGTGGTGTCCCGGCCAGCCCTG-3'
Protein context (NP_775960.4, residues 823-843): LVTWNDFHCT[Cys833Phe]PANFTGPTCA

ClinVar aggregate classification (germline): Uncertain significance. Review status: criteria provided, multiple submitters, no conflicts (2 of 4 stars). 2 submissions from 2 submitters: Uncertain significance (2). Last evaluated 2025-08-26.

Conditions:
Inborn genetic diseases. Identifiers: MedGen C0950123, MeSH D030342.

Allele frequency attached by ClinVar (database versions not stated): gnomAD exomes 0.00001.
gnomAD v4.1: 5 of 1,614,062 alleles (0.00031%); highest among the groups gnomAD compares: Non-Finnish European, 0.00042%; no homozygotes.

Submissions (2):

Ambry Genetics
Classification: Uncertain significance for Inborn genetic diseases. Last evaluated: 2025-08-26. Review status: criteria provided, single submitter. Criteria: Ambry Variant Classification Scheme 2023. Collection method: clinical testing. Allele origin: germline.

Labcorp Genetics (formerly Invitae), Labcorp
Classification: Uncertain significance. Last evaluated: 2021-03-20. Review status: criteria provided, single submitter. Criteria: Invitae Variant Classification Sherloc (09022015). Collection method: clinical testing. Allele origin: germline.
Comment: This sequence change replaces cysteine with phenylalanine at codon 833 of the CRB2 protein (p.Cys833Phe). The cysteine residue is highly conserved and there is a large physicochemical difference between cysteine and phenylalanine. This variant is not present in population databases (ExAC no frequency). This variant has not been reported in the literature in individuals with CRB2-related conditions. Advanced modeling of protein sequence and biophysical properties (such as structural, functional, and spatial information, amino acid conservation, physicochemical variation, residue mobility, and thermodynamic stability) performed at Invitae indicates that this missense variant is expected to disrupt CRB2 protein function. In summary, the available evidence is currently insufficient to determine the role of this variant in disease. Therefore, it has been classified as a Variant of Uncertain Significance.